The following is an entry in ClinVar:

ClinVar aggregate classification (germline): Pathogenic. Review status: criteria provided, multiple submitters, no conflicts (2 of 4 stars). 2 submissions from 2 submitters: Pathogenic (2). Last evaluated 2024-02-15.

Conditions:
Hypogonadotropic hypogonadism 2 with or without anosmia (HH2). Also called: HYPOGONADOTROPIC HYPOGONADISM 2 WITH OR WITHOUT ANOSMIA, SUSCEPTIBILITY TO; HYPOGONADOTROPIC HYPOGONADISM 2 WITHOUT ANOSMIA, SUSCEPTIBILITY TO; FGFR1-Related GnRH Deficiency (Kallmann Syndrome 2); HYPOGONADOTROPIC HYPOGONADISM 2 WITHOUT ANOSMIA. Identifiers: Orphanet 478, MedGen C1563720, MONDO:0007844, OMIM 147950. Disease mechanism: loss of function.

Submissions (2):

GeneDx
Classification: Pathogenic. Last evaluated: 2024-02-15. Review status: criteria provided, single submitter. Criteria: GeneDx Variant Classification Process June 2021. Collection method: clinical testing. Allele origin: germline. Affected: yes.
Comment: Frameshift variant predicted to result in protein truncation or nonsense mediated decay in a gene for which loss-of-function is a known mechanism of disease; Not observed in large population cohorts (gnomAD); This variant is associated with the following publications: (PMID: 22405597, 24841555, 31200363, 21682876)

Reproductive Endocrine Unit, Massachusetts General Hospital
Classification: Pathogenic for Hypogonadotropic hypogonadism 2 with or without anosmia. Last evaluated: 2023-05-04. Review status: criteria provided, single submitter. Criteria: ACMG Guidelines, 2015. Collection method: research. Allele origin: unknown. Affected: yes. Observed: 1 variant allele.
Comment: The variant NM_023110.2:c.962_963del, p.(Lys321Argfs*13) het has been classified as P1c based on the variant meeting the following ACMG Criteria: PVS1,PM2,PP3.

NM_023110.3(FGFR1):c.962_963del (p.Lys321fs)

Gene: FGFR1 (fibroblast growth factor receptor 1; minus strand). Cytogenetic location: 8p11.23.
Variant type: Deletion.
Coding change: c.962_963del on transcript NM_023110.3 (MANE Select); coding-DNA positions 962 to 963, 2 bases deleted (AA; older notation c.962_963delAA).
Protein change: p.Lys321fs; shifts the reading frame from lysine 321.
Molecular consequence: frameshift variant.
Genome position (GRCh38, 1-based): chr8:38,421,915-38,421,916, TT deleted on the plus strand (AA on the coding strand, the reverse complement: FGFR1 is on the minus strand); deleting any 2 consecutive bases within chr8:38,421,915-38,421,917 gives the same sequence; the c. name uses the placement nearest the transcript's 3' end. VCF-style (leftmost placement, unchanged base first): chr8-38421914-CTT-C. GRCh37 (hg19) VCF-style: chr8-38279432-CTT-C.
Other names: c.962_963delAA (NM_023110.2); c.962_963del, p.Lys321fs (NM_001174063.2); c.938_939del, p.Lys313fs (NM_001174064.2); c.956_957del, p.Lys319fs (NM_001174065.2, NM_001354367.2, NM_001354369.2 and 1 more transcripts); c.695_696del, p.Lys232fs (NM_001174066.2, NM_023105.3); c.1055_1056del, p.Lys352fs (NM_001174067.2); c.689_690del, p.Lys230fs (NM_001354368.2, NM_001354370.2, NM_023106.3); short protein forms K230fs, K232fs, K313fs, K319fs, K321fs, K352fs.
Identifiers: ClinVar variation 1208776 (VCV001208776.6), dbSNP rs2150758220, ClinGen allele CA2499219290.
Genomic context (GRCh38, chr8:38,421,914, plus strand): 5'-AGCACGTATACTCCCCTGCGTCCTCAAAGGAGACATTTCTTAAGTGAAGCACCTCCATCT[CTT>C]TGTCGGTGGTATTAACTCCAGCAGTCTAGAAGAGACAACGGAAGCAAAATGGACAAGCAC-3'